The following is an entry in ClinVar:

NM_020745.4(AARS2):c.2305C>T (p.Arg769Cys)

Gene: AARS2 (alanyl-tRNA synthetase 2, mitochondrial; minus strand). Cytogenetic location: 6p21.1.
Variant type: single nucleotide variant.
Coding change: c.2305C>T on transcript NM_020745.4 (MANE Select); coding-DNA position 2305, C replaced by T.
Protein change: p.Arg769Cys; replaces arginine 769 with cysteine.
Molecular consequence: missense variant.
Genome position (GRCh38, 1-based): chr6:44,302,861, G>A on the plus strand (C>T on the coding strand, the complement: AARS2 is on the minus strand). VCF-style: chr6-44302861-G-A. GRCh37 (hg19) VCF-style: chr6-44270598-G-A.
Other names: c.2305C>T (NM_020745.3); short protein forms R769C.
Identifiers: ClinVar variation 3369848 (VCV003369848.2), dbSNP rs140918846.

ClinVar aggregate classification (germline): Uncertain significance. Review status: criteria provided, multiple submitters, no conflicts (2 of 4 stars). 2 submissions from 2 submitters: Uncertain significance (2). Last evaluated 2025-04-09.

Conditions:
Cardiovascular phenotype. Identifiers: MedGen CN230736.

Submissions (2):

Molecular Diagnostic Laboratory for Inherited Cardiovascular Disease, Montreal Heart Institute
Classification: Uncertain significance for Cardiovascular phenotype. Last evaluated: 2025-04-09. Review status: criteria provided, single submitter. Criteria: ACMG Guidelines, 2015. Collection method: clinical testing. Allele origin: germline. Affected: yes.

GeneDx
Classification: Uncertain significance. Last evaluated: 2024-02-29. Review status: criteria provided, single submitter. Criteria: GeneDx Variant Classification Process June 2021. Collection method: clinical testing. Allele origin: germline. Affected: yes.
Comment: Not observed at significant frequency in large population cohorts (gnomAD); In silico analysis supports that this missense variant has a deleterious effect on protein structure/function; Has not been previously published as pathogenic or benign to our knowledge